The following is an entry in ClinVar:

NM_032119.4(ADGRV1):c.3246G>A (p.Pro1082=)

Gene: ADGRV1 (adhesion G protein-coupled receptor V1; plus strand). Cytogenetic location: 5q14.3.
Variant type: single nucleotide variant.
Coding change: c.3246G>A on transcript NM_032119.4 (MANE Select); coding-DNA position 3246, G replaced by A.
Protein change: p.Pro1082=; no amino-acid change (proline 1082 retained).
Molecular consequence: synonymous variant. On other transcripts: non-coding transcript variant (1).
Genome position (GRCh38, 1-based): chr5:90,647,721, G>A. VCF-style: chr5-90647721-G-A. GRCh37 (hg19) VCF-style: chr5-89943538-G-A.
Identifiers: ClinVar variation 746085 (VCV000746085.9), dbSNP rs369418240, ClinGen allele CA3339133.
Genomic context (GRCh38, chr5:90,647,721, plus strand): 5'-TTTTGAGGTTGGAAGTAGACAGCAGAGCATATCCATATTTGTTAATGAAGATGGTATCCC[G>A]GAAACAGATGAGCCCTTTTATATAATCCTCTTGAATTCAACAGGTAAGTAAATTATGCTT-3'
Protein context (NP_115495.3, residues 1072-1092): ISIFVNEDGI[Pro1082=]ETDEPFYIIL

ClinVar aggregate classification (germline): Likely benign. Review status: criteria provided, multiple submitters, no conflicts (2 of 4 stars). 2 submissions from 2 submitters: Likely benign (2). Last evaluated 2025-05-11.

Conditions:
ADGRV1-related disorder. Also called: ADGRV1-related condition; ADGRV1-related disorders.

Allele frequency attached by ClinVar (database versions not stated): gnomAD 0.00001; gnomAD exomes 0.00002 and 0.00003; ExAC 0.00004; ESP Exome Variant Server 0.00008.
gnomAD v4.1: 25 of 1,613,564 alleles (0.0015%); highest among the groups gnomAD compares: Admixed American, 0.005%; no homozygotes.

Submissions (2):

Labcorp Genetics (formerly Invitae), Labcorp
Classification: Likely benign. Last evaluated: 2025-05-11. Review status: criteria provided, single submitter. Criteria: Invitae Variant Classification Sherloc (09022015). Collection method: clinical testing. Allele origin: germline.

PreventionGenetics, part of Exact Sciences
Classification: Likely benign for ADGRV1-related condition. Last evaluated: 2025-05-02. Review status: criteria provided, single submitter. Criteria: ACMG Guidelines, 2015. Collection method: clinical testing. Allele origin: germline.
Comment: This variant is classified as likely benign based on ACMG/AMP sequence variant interpretation guidelines (Richards et al. 2015 PMID: 25741868, with internal and published modifications).